The following is an entry in ClinVar:

NM_021971.4(GMPPB):c.478G>C (p.Val160Leu)

Gene: GMPPB (GDP-mannose pyrophosphorylase B; minus strand). Cytogenetic location: 3p21.31.
Variant type: single nucleotide variant.
Coding change: c.478G>C on transcript NM_021971.4 (MANE Select); coding-DNA position 478, G replaced by C.
Protein change: p.Val160Leu; replaces valine 160 with leucine.
Molecular consequence: missense variant.
Genome position (GRCh38, 1-based): chr3:49,722,679, C>G on the plus strand (G>C on the coding strand, the complement: GMPPB is on the minus strand). VCF-style: chr3-49722679-C-G. GRCh37 (hg19) VCF-style: chr3-49760112-C-G.
Other names: c.478G>C, p.Val160Leu (NM_013334.4); short protein forms V160L.
Identifiers: ClinVar variation 863408 (VCV000863408.7), dbSNP rs752805529, ClinGen allele CA352828721.

ClinVar aggregate classification (germline): Uncertain significance (1 of 4 stars; one submission).

Conditions:
Muscular dystrophy-dystroglycanopathy (congenital with brain and eye anomalies), type A14. Also called: Congenital muscular dystrophy-dystroglycanopathy with brain and eye anomalies, type A14; WALKER-WARBURG SYNDROME OR MUSCLE-EYE-BRAIN DISEASE, GMPPB-RELATED; Muscular dystrophy-dystroglycanopathy (congenital with brain and eye anomalies), type a, 14; Congenital Muscular Dystrophy-Dystroglycanopathy with Brain and Eye Anomalies Type A 14. Identifiers: Orphanet 588, MedGen C3809216, MONDO:0014140, OMIM 615350.
Muscular dystrophy-dystroglycanopathy (congenital with impaired intellectual development), type B, 14. Also called: Congenital muscular dystrophy-dystroglycanopathy with mental retardation, type B14; MUSCULAR DYSTROPHY, CONGENITAL, GMPPB-RELATED; Muscular dystrophy-dystroglycanopathy (congenital with intellectual disability), type B14. Identifiers: MedGen C3809221, MONDO:0014141, OMIM 615351.
Autosomal recessive limb-girdle muscular dystrophy type 2T. Also called: Limb-girdle muscular dystrophy-dystroglycanopathy, type C14; MUSCULAR DYSTROPHY-DYSTROGLYCANOPATHY, LIMB-GIRDLE, GMPPB-RELATED; MUSCULAR DYSTROPHY, LIMB-GIRDLE, TYPE 2T; Muscular dystrophy-dystroglycanopathy (limb-girdle), type c, 14. Identifiers: Orphanet 363623, MedGen C4518000, MONDO:0014142, OMIM 615352.

Submission:

Labcorp Genetics (formerly Invitae), Labcorp
Classification: Uncertain significance for Autosomal recessive limb-girdle muscular dystrophy type 2T; Muscular dystrophy-dystroglycanopathy (congenital with brain and eye anomalies), type A14; Muscular dystrophy-dystroglycanopathy (congenital with impaired intellectual development), type B, 14. Last evaluated: 2022-07-06. Review status: criteria provided, single submitter. Criteria: Invitae Variant Classification Sherloc (09022015). Collection method: clinical testing. Allele origin: germline.
Comment: In summary, the available evidence is currently insufficient to determine the role of this variant in disease. Therefore, it has been classified as a Variant of Uncertain Significance. Algorithms developed to predict the effect of missense changes on protein structure and function are either unavailable or do not agree on the potential impact of this missense change (SIFT: "Tolerated"; PolyPhen-2: "Possibly Damaging"; Align-GVGD: "Class C0"). ClinVar contains an entry for this variant (Variation ID: 863408). This variant has not been reported in the literature in individuals affected with GMPPB-related conditions. This variant is present in population databases (no rsID available, gnomAD 0.0009%). This sequence change replaces valine, which is neutral and non-polar, with leucine, which is neutral and non-polar, at codon 160 of the GMPPB protein (p.Val160Leu).